The following is an entry in ClinVar:

ClinVar aggregate classification (germline): Uncertain significance. Review status: criteria provided, multiple submitters, no conflicts (2 of 4 stars). 2 submissions from 2 submitters: Uncertain significance (2). Last evaluated 2025-12-05.

Conditions:
Familial hemophagocytic lymphohistiocytosis 2 (FHL2). Also called: PRF1-Related Familial Hemophagocytic Lymphohistiocytosis (PRF1-fHLH). Identifiers: Orphanet 540, MedGen C1863727, MONDO:0011337, OMIM 603553.

Allele frequency attached by ClinVar (database versions not stated): gnomAD exomes 0.00001 and 0.00002.
gnomAD v4.1: 27 of 1,612,610 alleles (0.0017%); highest among the groups gnomAD compares: Non-Finnish European, 0.0023%; no homozygotes.

Submissions (2):

Mayo Clinic Laboratories, Mayo Clinic
Classification: Uncertain significance. Last evaluated: 2025-12-05. Review status: criteria provided, single submitter. Criteria: ACMG Guidelines, 2015. Collection method: clinical testing. Allele origin: germline. Observed: 1 variant allele.
Comment: BP4

Labcorp Genetics (formerly Invitae), Labcorp
Classification: Uncertain significance for Familial hemophagocytic lymphohistiocytosis 2. Last evaluated: 2021-09-24. Review status: criteria provided, single submitter. Criteria: Invitae Variant Classification Sherloc (09022015). Collection method: clinical testing. Allele origin: germline.
Comment: This sequence change replaces serine with leucine at codon 29 of the PRF1 protein (p.Ser29Leu). The serine residue is weakly conserved and there is a large physicochemical difference between serine and leucine. This variant is not present in population databases (ExAC no frequency). This variant has not been reported in the literature in individuals with PRF1-related conditions. Algorithms developed to predict the effect of missense changes on protein structure and function (SIFT, PolyPhen-2, Align-GVGD) all suggest that this variant is likely to be tolerated, but these predictions have not been confirmed by published functional studies and their clinical significance is uncertain. In summary, the available evidence is currently insufficient to determine the role of this variant in disease. Therefore, it has been classified as a Variant of Uncertain Significance.

NM_001083116.3(PRF1):c.86C>T (p.Ser29Leu)

Gene: PRF1 (perforin 1; minus strand). Cytogenetic location: 10q22.1.
Variant type: single nucleotide variant.
Coding change: c.86C>T on transcript NM_001083116.3 (MANE Select); coding-DNA position 86, C replaced by T.
Protein change: p.Ser29Leu; replaces serine 29 with leucine.
Molecular consequence: missense variant.
Genome position (GRCh38, 1-based): chr10:70,600,817, G>A on the plus strand (C>T on the coding strand, the complement: PRF1 is on the minus strand). VCF-style: chr10-70600817-G-A. GRCh37 (hg19) VCF-style: chr10-72360573-G-A.
Other names: p.Ser29Leu; c.86C>T, p.Ser29Leu (NM_005041.6); short protein forms S29L.
Identifiers: ClinVar variation 1518690 (VCV001518690.6), dbSNP rs1342253892, ClinGen allele CA376960125.